The following is an entry in ClinVar:

NM_199355.4(ADAMTS18):c.3469T>C (p.Ser1157Pro)

Genes: ADAMTS18 (ADAM metallopeptidase with thrombospondin type 1 motif 18; minus strand), LOC126862407 (CDK7 strongly-dependent group 2 enhancer GRCh37_chr16:77322970-77324169; plus strand). Cytogenetic location: 16q23.1.
Variant type: single nucleotide variant.
Coding change: c.3469T>C on transcript NM_199355.4 (MANE Select); coding-DNA position 3469, T replaced by C.
Protein change: p.Ser1157Pro; replaces serine 1157 with proline.
Molecular consequence: missense variant.
Genome position (GRCh38, 1-based): chr16:77,289,345, A>G on the plus strand (T>C on the coding strand, the complement: ADAMTS18 is on the minus strand). VCF-style: chr16-77289345-A-G. GRCh37 (hg19) VCF-style: chr16-77323242-A-G.
Other names: c.2953T>C, p.Ser985Pro (NM_001326358.2); short protein forms S1157P, S985P.
Identifiers: ClinVar variation 1045400 (VCV001045400.7), dbSNP rs2055318311, ClinGen allele CA396830531.

ClinVar aggregate classification (germline): Uncertain significance (1 of 4 stars; one submission).

Submission:

Labcorp Genetics (formerly Invitae), Labcorp
Classification: Uncertain significance. Last evaluated: 2021-11-03. Review status: criteria provided, single submitter. Criteria: Invitae Variant Classification Sherloc (09022015). Collection method: clinical testing. Allele origin: germline.
Comment: This sequence change replaces serine, which is neutral and polar, with proline, which is neutral and non-polar, at codon 1157 of the ADAMTS18 protein (p.Ser1157Pro). This variant is not present in population databases (gnomAD no frequency). This variant has not been reported in the literature in individuals affected with ADAMTS18-related conditions. ClinVar contains an entry for this variant (Variation ID: 1045400). Algorithms developed to predict the effect of missense changes on protein structure and function are either unavailable or do not agree on the potential impact of this missense change (SIFT: "Not Available"; PolyPhen-2: "Possibly Damaging"; Align-GVGD: "Not Available"). In summary, the available evidence is currently insufficient to determine the role of this variant in disease. Therefore, it has been classified as a Variant of Uncertain Significance.